The following is an entry in ClinVar:

NM_001776.6(ENTPD1):c.25G>A (p.Val9Met)

Genes: ENTPD1 (ectonucleoside triphosphate diphosphohydrolase 1; plus strand), ENTPD1-AS1 (ENTPD1 antisense RNA 1; minus strand). Cytogenetic location: 10q24.1.
Variant type: single nucleotide variant.
Coding change: c.25G>A on transcript NM_001776.6 (MANE Select); coding-DNA position 25, G replaced by A.
Protein change: p.Val9Met; replaces valine 9 with methionine.
Molecular consequence: missense variant. On other transcripts: 5 prime UTR variant (2), intron variant (2).
Genome position (GRCh38, 1-based): chr10:95,823,245, G>A. VCF-style: chr10-95823245-G-A. GRCh37 (hg19) VCF-style: chr10-97583002-G-A.
Other names: c.46G>A, p.Val16Met (NM_001098175.2); c.61G>A, p.Val21Met (NM_001164178.1, NM_001320916.1); c.25G>A, p.Val9Met (NM_001164179.2); c.-239G>A (NM_001164182.2); c.-121G>A (NM_001164183.2); c.-181+12439G>A (NM_001312654.1); c.-180-16446G>A (NM_001164181.1); short protein forms V16M, V21M, V9M.
Identifiers: ClinVar variation 374088 (VCV000374088.29), dbSNP rs150772804, ClinGen allele CA5621309.

ClinVar aggregate classification (germline): Conflicting classifications of pathogenicity. Review status: criteria provided, conflicting classifications (1 of 4 stars). 5 submissions from 5 submitters: Uncertain significance (3); Likely benign (2). Last evaluated 2026-08-26.

Conditions:
Hereditary spastic paraplegia. Also called: Familial spastic paraparesis. Identifiers: Orphanet 685, MedGen C0037773, MONDO:0019064. Disease mechanism: loss of function.
Microcephaly. Also called: Microcephaly (disease). Identifiers: MedGen C4551563, MONDO:0001149, HP:0000252.
Polymicrogyria. Identifiers: Orphanet 35981, MedGen C0266464, MONDO:0000087, HP:0002126.
Global developmental delay (DD). Also called: Cognitive delay. Identifiers: MedGen C0557874, HP:0001263. Disease mechanism: loss of function.
ENTPD1-related disorder. Also called: ENTPD1-related condition.
Hereditary spastic paraplegia 64. Also called: ENTPD1-Related Neurodevelopmental Disorder; Spastic paraplegia 64, autosomal recessive. Identifiers: Orphanet 401810, MedGen C3810289, MONDO:0014303, OMIM 615683.

Allele frequency attached by ClinVar (database versions not stated): ExAC 0.00038; gnomAD exomes 0.00050; ESP Exome Variant Server 0.00054; gnomAD 0.00058 and 0.00059; TOPMed 0.00065.
gnomAD v4.1: 1,551 of 1,614,030 alleles (0.096%); highest among the groups gnomAD compares: Non-Finnish European, 0.13%; 3 homozygotes.

Submissions (5):

PreventionGenetics, part of Exact Sciences
Classification: Likely benign for ENTPD1-related condition. Last evaluated: 2026-08-26. Review status: criteria provided, single submitter. Criteria: ACMG Guidelines, 2015. Collection method: clinical testing. Allele origin: germline.
Comment: This variant is classified as likely benign based on ACMG/AMP sequence variant interpretation guidelines (Richards et al. 2015 PMID: 25741868, with internal and published modifications).

CeGaT Center for Human Genetics Tuebingen
Classification: Likely benign. Last evaluated: 2026-01-01. Review status: criteria provided, single submitter. Criteria: CeGaT Center For Human Genetics Tuebingen Variant Classification Criteria Version 2. Collection method: clinical testing. Allele origin: germline. Affected: yes. Observed: 4 variant alleles.
Comment: ENTPD1: BP4, BS2

Labcorp Genetics (formerly Invitae), Labcorp
Classification: Uncertain significance for Hereditary spastic paraplegia 64. Last evaluated: 2024-12-16. Review status: criteria provided, single submitter. Criteria: Invitae Variant Classification Sherloc (09022015). Collection method: clinical testing. Allele origin: germline.
Comment: This sequence change replaces valine, which is neutral and non-polar, with methionine, which is neutral and non-polar, at codon 9 of the ENTPD1 protein (p.Val9Met). This variant is present in population databases (rs150772804, gnomAD 0.09%), and has an allele count higher than expected for a pathogenic variant. This variant has not been reported in the literature in individuals affected with ENTPD1-related conditions. ClinVar contains an entry for this variant (Variation ID: 374088). An algorithm developed to predict the effect of missense changes on protein structure and function (PolyPhen-2) suggests that this variant¬†is likely to be tolerated. In summary, the available evidence is currently insufficient to determine the role of this variant in disease. Therefore, it has been classified as a Variant of Uncertain Significance.

Genome Diagnostics Laboratory, The Hospital for Sick Children
Classification: Uncertain significance for Hereditary spastic paraplegia. Last evaluated: 2018-05-01. Review status: criteria provided, single submitter. Criteria: ACMG Guidelines, 2015. Collection method: clinical testing. Allele origin: germline. Affected: yes.

Centre for Mendelian Genomics, University Medical Centre Ljubljana
Classification: Uncertain significance for Global developmental delay; Microcephaly; Polymicrogyria. Last evaluated: 2015-04-18. Review status: criteria provided, single submitter. Criteria: ACMG Guidelines, 2015. Collection method: clinical testing. Allele origin: unknown. Affected: yes.